The following is an entry in ClinVar:

ClinVar aggregate classification (germline): Uncertain significance. Review status: criteria provided, multiple submitters, no conflicts (2 of 4 stars). 6 submissions from 6 submitters: Uncertain significance (6). Last evaluated 2025-06-24.

Conditions:
Hypertrophic cardiomyopathy 1 (CMH1). Also called: Familial hypertrophic cardiomyopathy 1; MYH7-Related Familial Hypertrophic Cardiomyopathy. Identifiers: MedGen C3495498, MONDO:0008647, OMIM 192600.
Myopathy, myosin storage, autosomal recessive (CMYO7B). Also called: CONGENITAL MYOPATHY 7B, MYOSIN STORAGE, AUTOSOMAL RECESSIVE. Identifiers: Orphanet 636970, MedGen C1850709, MONDO:0009708, OMIM 255160.
Myosin storage myopathy (CMYO7A). Also called: MYOPATHY WITH LYSIS OF TYPE I MYOFIBRILS; MYH7-related late-onset scapuloperoneal muscular dystrophy; Congenital myopathy 7A, myosin storage, autosomal dominant; MYOPATHY, HYALINE BODY, AUTOSOMAL DOMINANT; Scapuloperoneal myopathy, MYH7-related; SCAPULOPERONEAL MUSCULAR DYSTROPHY. Identifiers: Orphanet 437572, Orphanet 636965, MedGen C1842160, MONDO:0008409, OMIM 608358.
Dilated cardiomyopathy 1S (CMD1S). Identifiers: Orphanet 154, Orphanet 54260, MedGen C1834481, MONDO:0013262, OMIM 613426.
Congenital myopathy with fiber type disproportion. Also called: Congenital fiber-type disproportion; Congenital fiber-type disproportion myopathy. Identifiers: Orphanet 2020, MedGen C0546264, MONDO:0009711. Inheritance: all.
MYH7-related skeletal myopathy. Also called: Myopathy, distal, 1; Laing early-onset distal myopathy; MYOPATHY, DISTAL, EARLY-ONSET, AUTOSOMAL DOMINANT; MYOPATHY, LATE DISTAL HEREDITARY; Laing distal myopathy. Identifiers: Orphanet 59135, MedGen C4552004, MONDO:0008050, OMIM 160500.
Cardiovascular phenotype. Identifiers: MedGen CN230736.
Cardiomyopathy (CMYO). Also called: Cardiomyopathies. Identifiers: Orphanet 167848, MedGen C0878544, MONDO:0004994, HP:0001638. Inheritance: Various modes of inheritance.
Hypertrophic cardiomyopathy. Also called: HYPERTROPHIC MYOCARDIOPATHY. Identifiers: Orphanet 217569, MedGen C0007194, MeSH D002312, MONDO:0005045, HP:0001639.

Allele frequency attached by ClinVar (database versions not stated): gnomAD exomes below 0.00001; TOPMed below 0.00001.

Submissions (6):

Color Diagnostics, LLC DBA Color Health
Classification: Uncertain significance for Cardiomyopathy. Last evaluated: 2025-06-24. Review status: criteria provided, single submitter. Criteria: ACMG Guidelines, 2015. Collection method: clinical testing. Allele origin: germline.
Comment: This variant causes a G to C nucleotide substitution at the +5 position of intron 33 of the MYH7 gene. To our knowledge, functional studies have not been reported for this variant. This variant has not been reported in individuals affected with MYH7-related disorders in the literature. This variant has been identified in 1/250480 chromosomes in the general population by the Genome Aggregation Database (gnomAD). The available evidence is insufficient to determine the role of this variant in disease conclusively. Therefore, this variant is classified as a Variant of Uncertain Significance.

All of Us Research Program, National Institutes of Health
Classification: Uncertain significance for Cardiomyopathy. Last evaluated: 2023-10-27. Review status: criteria provided, single submitter. Criteria: ACMG Guidelines, 2015. Collection method: clinical testing. Allele origin: germline. Inheritance: Autosomal dominant inheritance. Observed: 4 variant alleles, 4 heterozygotes.
Comment: This variant causes a G to C nucleotide substitution at the +5 position of intron 33 of the MYH7 gene. Splice site prediction tools predict that this variant may have a significant impact on RNA splicing. To our knowledge, functional studies have not been reported for this variant. This variant has not been reported in individuals affected with MYH7-related disorders in the literature. This variant has been identified in 1/250480 chromosomes in the general population by the Genome Aggregation Database (gnomAD). Clinical relevance of loss-of-function MYH7 truncation and splice variants in autosomal dominant cardiovascular disorders is not clearly established. The available evidence is insufficient to determine the role of this variant in disease conclusively. Therefore, this variant is classified as a Variant of Uncertain Significance.

This study involves interpretation of variants in research participants for the purpose of population health screening. Participant phenotype was not available at the time of variant classification. Additional details can be found in publication PMID: 35346344, PMCID: PMC8962531

Labcorp Genetics (formerly Invitae), Labcorp
Classification: Uncertain significance for Hypertrophic cardiomyopathy. Last evaluated: 2023-07-28. Review status: criteria provided, single submitter. Criteria: Invitae Variant Classification Sherloc (09022015). Collection method: clinical testing. Allele origin: germline.
Comment: In summary, the available evidence is currently insufficient to determine the role of this variant in disease. Therefore, it has been classified as a Variant of Uncertain Significance. This sequence change falls in intron 33 of the MYH7 gene. It does not directly change the encoded amino acid sequence of the MYH7 protein. It affects a nucleotide within the consensus splice site. This variant is present in population databases (rs730880797, gnomAD 0.0009%). This variant has not been reported in the literature in individuals affected with MYH7-related conditions. ClinVar contains an entry for this variant (Variation ID: 181251). Variants that disrupt the consensus splice site are a relatively common cause of aberrant splicing (PMID: 17576681, 9536098). Algorithms developed to predict the effect of sequence changes on RNA splicing suggest that this variant may create or strengthen a splice site.

Fulgent Genetics
Classification: Uncertain significance for MYH7-related skeletal myopathy; Myosin storage myopathy; Hypertrophic cardiomyopathy 1; Myopathy, myosin storage, autosomal recessive; Congenital myopathy 4A, autosomal dominant; Dilated cardiomyopathy 1S. Last evaluated: 2021-10-08. Review status: criteria provided, single submitter. Criteria: ACMG Guidelines, 2015. Collection method: clinical testing. Allele origin: unknown.

Ambry Genetics
Classification: Uncertain significance for Cardiovascular phenotype. Last evaluated: 2019-09-18. Review status: criteria provided, single submitter. Criteria: Ambry Variant Classification Scheme 2023. Collection method: clinical testing. Allele origin: germline.
Comment: The c.4644+5G>C intronic variant results from a G to C substitution 5 nucleotides after coding exon 31 in the MYH7 gene. This nucleotide position is well conserved in available vertebrate species. Using two different splice site prediction tools, this alteration is predicted by BDGP to abolish the native splice donor site, but is predicted to weaken (but not abolish) the efficiency of the native splice donor site by ESEfinder; however, direct evidence is unavailable. Since supporting evidence is limited at this time, the clinical significance of this alteration remains unclear.

GeneDx
Classification: Uncertain significance. Last evaluated: 2013-01-22. Review status: criteria provided, single submitter. Criteria: GeneDx Variant Classification (06012015). Collection method: clinical testing. Allele origin: germline. Affected: yes.
Comment: c.4644+5 G>C: IVS33+5 G>C in intron 33 of the MYH7 gene (NM_000257.2). The c.4644+5 G>C variant in the MYH7 gene has not been reported as a disease-causing mutation or as a benign polymorphism to our knowledge. Although splice prediction programs indicate c.4644+5 G>C abolishes the natural splice donor site, the vast majority of mutations in the MYH7 gene are missense mutations. Furthermore, various studies have conflicting hypotheses regarding MYH7 haploinsufficiency leading to cardiomyopathy (Nishi H et al., 1995; Waldmuller S et al., 2011). With the clinical and molecular information available at this time, we cannot definitively determine if c.4644+5 G>C is a disease-causing mutation or a rare benign variant. The variant is found in DCM panel(s).

Literature cited by the submitters: PubMed 17576681 (cited by Labcorp Genetics (formerly Invitae), Labcorp); PubMed 9536098 (cited by Labcorp Genetics (formerly Invitae), Labcorp).

NM_000257.4(MYH7):c.4644+5G>C

Genes: MYH7 (myosin heavy chain 7; minus strand), MHRT (myosin heavy chain associated RNA transcript; plus strand). Cytogenetic location: 14q11.2.
Variant type: single nucleotide variant.
Coding change: c.4644+5G>C on transcript NM_000257.4 (MANE Select); 5 bases into the intron after coding-DNA position 4644, G replaced by C.
Molecular consequence: intron variant.
Genome position (GRCh38, 1-based): chr14:23,416,863, C>G on the plus strand (G>C on the coding strand, the complement: MYH7 is on the minus strand). VCF-style: chr14-23416863-C-G. GRCh37 (hg19) VCF-style: chr14-23886072-C-G.
Other names: c.4644+5G>C (LRG_384t1).
Identifiers: ClinVar variation 181251 (VCV000181251.12), dbSNP rs730880797, ClinGen allele CA015188.
Genomic context (GRCh38, chr14:23,416,863, plus strand): 5'-TGAGAACAGGGACCAAAAGCCTGGAGCTCAGCTCCCTGCACCCCGTGCCCTGCACACACA[C>G]ACACCTCGGCCTCCTCCAGGGCTGACTGCAGCTCCATCTTCTCGGCCTCCAGCTGCTTTC-3'